The following is an entry in ClinVar:

NM_000044.6(AR):c.2561C>G (p.Ser854Ter)

Gene: AR (androgen receptor; plus strand). Cytogenetic location: Xq12.
Variant type: single nucleotide variant.
Coding change: c.2561C>G on transcript NM_000044.6 (MANE Select); coding-DNA position 2561, C replaced by G.
Protein change: p.Ser854Ter; replaces serine 854 with a stop codon.
Molecular consequence: nonsense.
Genome position (GRCh38, 1-based): chrX:67,722,938, C>G. VCF-style: chrX-67722938-C-G. GRCh37 (hg19) VCF-style: chrX-66942780-C-G.
Other names: c.965C>G, p.Ser322Ter (NM_001011645.3); short protein forms S322*, S854*.
Identifiers: ClinVar variation 2430348 (VCV002430348.2), dbSNP rs2147538127, ClinGen allele CA413428028.

ClinVar aggregate classification (germline): Pathogenic (1 of 4 stars; one submission).

Submission:

Centre of Medical Genetics, University Hospital Muenster
Classification: Pathogenic. Last evaluated: 2022-11-09. Review status: criteria provided, single submitter. Criteria: ACMG Guidelines, 2015. Collection method: clinical testing. Allele origin: unknown. Affected: yes. Observed: 1 variant allele, 1 heterozygote.
Comment: ACMG categories: PVS1,PS1,PM2